The following is an entry in ClinVar:

ClinVar aggregate classification (germline): Likely benign. Review status: criteria provided, multiple submitters, no conflicts (2 of 4 stars). 2 submissions from 2 submitters: Likely benign (2). Last evaluated 2026-05-11.

Conditions:
Hereditary diffuse gastric adenocarcinoma (HDGC). Also called: DIFFUSE GASTRIC AND LOBULAR BREAST CANCER SYNDROME. Identifiers: Orphanet 26106, MedGen C1708349, MONDO:0007648, OMIM 137215.

Submissions (2):

Women's Health and Genetics/Laboratory Corporation of America, LabCorp
Classification: Likely benign. Last evaluated: 2026-05-11. Review status: criteria provided, single submitter. Criteria: LabCorp Variant Classification Summary - May 2015. Collection method: clinical testing. Allele origin: germline.
Comment: Variant summary: CDH1 c.2440-6C>T alters a nucleotide located at a position not widely known to affect splicing. Consensus agreement among computation tools predict no significant impact on normal splicing. However, these predictions have yet to be confirmed by functional studies. The variant was absent in 251368 control chromosomes. The available data on variant occurrences in the general population are insufficient to allow any conclusion about variant significance. To our knowledge, no occurrence of c.2440-6C>T in individuals affected with CDH1-related conditions and no experimental evidence demonstrating its impact on protein function have been reported. ClinVar contains an entry for this variant (Variation ID: 414040). Based on the evidence outlined above, the variant was classified as likely benign.

Labcorp Genetics (formerly Invitae), Labcorp
Classification: Likely benign for Hereditary diffuse gastric adenocarcinoma. Last evaluated: 2016-07-16. Review status: criteria provided, single submitter. Criteria: Invitae Variant Classification Sherloc (09022015). Collection method: clinical testing. Allele origin: germline.

NM_004360.5(CDH1):c.2440-6C>T

Gene: CDH1 (cadherin 1; plus strand). Cytogenetic location: 16q22.1.
Variant type: single nucleotide variant.
Coding change: c.2440-6C>T on transcript NM_004360.5 (MANE Select); 6 bases into the intron before coding-DNA position 2440, C replaced by T.
Molecular consequence: intron variant.
Genome position (GRCh38, 1-based): chr16:68,833,284, C>T. VCF-style: chr16-68833284-C-T. GRCh37 (hg19) VCF-style: chr16-68867187-C-T.
Other names: c.2440-6C>T (LRG_301t1); c.892-6C>T (NM_001317185.2); c.475-6C>T (NM_001317186.2); c.2257-6C>T (NM_001317184.2).
Identifiers: ClinVar variation 414040 (VCV000414040.14), dbSNP rs139757930, ClinGen allele CA16614999.